The following is an entry in ClinVar:

NM_004006.3(DMD):c.10565C>T (p.Ala3522Val)

Gene: DMD (dystrophin; minus strand). Cytogenetic location: Xp21.2.
Variant type: single nucleotide variant.
Coding change: c.10565C>T on transcript NM_004006.3 (MANE Select); coding-DNA position 10565, C replaced by T.
Protein change: p.Ala3522Val; replaces alanine 3522 with valine.
Molecular consequence: missense variant.
Genome position (GRCh38, 1-based): chrX:31,147,507, G>A on the plus strand (C>T on the coding strand, the complement: DMD is on the minus strand). VCF-style: chrX-31147507-G-A. GRCh37 (hg19) VCF-style: chrX-31165624-G-A.
Other names: c.6533C>T, p.Ala2178Val (NM_004012.4); c.3185C>T, p.Ala1062Val (NM_004013.3, NM_004021.3); c.2378C>T, p.Ala793Val (NM_004014.3); c.1361C>T, p.Ala454Val (NM_004015.3, NM_004016.3); c.1322C>T, p.Ala441Val (NM_004017.3, NM_004018.3); c.10541C>T, p.Ala3514Val (NM_000109.4); c.2855C>T, p.Ala952Val (NM_004020.4, NM_004023.3); c.3146C>T, p.Ala1049Val (NM_004022.3); and 3 more; short protein forms A2181V, A3518V, A3522V, A441V, A1049V, A3399V, A3514V, A793V.
Identifiers: ClinVar variation 3646681 (VCV003646681.3).

ClinVar aggregate classification (germline): Uncertain significance. Review status: criteria provided, multiple submitters, no conflicts (2 of 4 stars). 2 submissions from 2 submitters: Uncertain significance (2). Last evaluated 2026-06-25.

Conditions:
Duchenne muscular dystrophy (DMD). Also called: MUSCULAR DYSTROPHY, PSEUDOHYPERTROPHIC PROGRESSIVE, DUCHENNE TYPE; Duchenne Muscular Dystrophy (DMD). Identifiers: Orphanet 98896, MedGen C0013264, MONDO:0010679, OMIM 310200.
Cardiovascular phenotype. Identifiers: MedGen CN230736.

gnomAD v4.1: 12 of 1,185,262 alleles (0.001%); highest among the groups gnomAD compares: Non-Finnish European, 0.0013%; no homozygotes.

Submissions (2):

Ambry Genetics
Classification: Uncertain significance for Cardiovascular phenotype. Last evaluated: 2026-06-25. Review status: criteria provided, single submitter. Criteria: Ambry Variant Classification Scheme 2023. Collection method: clinical testing. Allele origin: germline.
Comment: The p.A3522V variant (also known as c.10565C>T), located in coding exon 75 of the DMD gene, results from a C to T substitution at nucleotide position 10565. The alanine at codon 3522 is replaced by valine, an amino acid with similar properties. This amino acid position is conserved. In addition, this alteration is predicted to be tolerated by in silico analysis. Based on the available evidence, the clinical significance of this variant remains unclear.

Labcorp Genetics (formerly Invitae), Labcorp
Classification: Uncertain significance for Duchenne muscular dystrophy. Last evaluated: 2025-02-27. Review status: criteria provided, single submitter. Criteria: Invitae Variant Classification Sherloc (09022015). Collection method: clinical testing. Allele origin: germline.
Comment: This sequence change replaces alanine, which is neutral and non-polar, with valine, which is neutral and non-polar, at codon 3522 of the DMD protein (p.Ala3522Val). This variant is not present in population databases (gnomAD no frequency). This variant has not been reported in the literature in individuals affected with DMD-related conditions. Invitae Evidence Modeling of protein sequence and biophysical properties (such as structural, functional, and spatial information, amino acid conservation, physicochemical variation, residue mobility, and thermodynamic stability) indicates that this missense variant is not expected to disrupt DMD protein function with a negative predictive value of 95%. In summary, the available evidence is currently insufficient to determine the role of this variant in disease. Therefore, it has been classified as a Variant of Uncertain Significance.